The following is an entry in ClinVar:

ClinVar aggregate classification (germline): Uncertain significance (1 of 4 stars; one submission).

gnomAD v4.1: 4 of 1,613,970 alleles (0.00025%); highest among the groups gnomAD compares: Non-Finnish European, 0.00034%; no homozygotes.

Submission:

Ambry Genetics
Classification: Uncertain significance. Last evaluated: 2021-10-17. Review status: criteria provided, single submitter. Criteria: Ambry Variant Classification Scheme 2023. Collection method: clinical testing. Allele origin: germline.
Comment: The p.H614P variant (also known as c.1841A>C), located in coding exon 13 of the NPAT gene, results from an A to C substitution at nucleotide position 1841. The histidine at codon 614 is replaced by proline, an amino acid with similar properties. This amino acid position is conserved. In addition, this alteration is predicted to be tolerated by in silico analysis. Since supporting evidence is limited at this time, the clinical significance of this alteration remains unclear.

NM_002519.3(NPAT):c.1841A>C (p.His614Pro)

Gene: NPAT (nuclear protein, coactivator of histone transcription; minus strand). Cytogenetic location: 11q22.3.
Variant type: single nucleotide variant.
Coding change: c.1841A>C on transcript NM_002519.3 (MANE Select); coding-DNA position 1841, A replaced by C.
Protein change: p.His614Pro; replaces histidine 614 with proline.
Molecular consequence: missense variant.
Genome position (GRCh38, 1-based): chr11:108,173,143, T>G on the plus strand (A>C on the coding strand, the complement: NPAT is on the minus strand). VCF-style: chr11-108173143-T-G. GRCh37 (hg19) VCF-style: chr11-108043870-T-G.
Other names: c.1841A>C, p.His614Pro (NM_001321307.1); short protein forms H614P.
Identifiers: ClinVar variation 1781163 (VCV001781163.2), dbSNP rs1485968519, ClinGen allele CA382514239.